The following is an entry in ClinVar:

NM_000091.5(COL4A3):c.1345G>C (p.Gly449Arg)

Genes: MFF-DT (MFF divergent transcript; minus strand), COL4A3 (collagen type IV alpha 3 chain; plus strand). Cytogenetic location: 2q36.3.
Variant type: single nucleotide variant.
Coding change: c.1345G>C on transcript NM_000091.5 (MANE Select); coding-DNA position 1345, G replaced by C.
Protein change: p.Gly449Arg; replaces glycine 449 with arginine.
Molecular consequence: missense variant.
Genome position (GRCh38, 1-based): chr2:227,266,446, G>C. VCF-style: chr2-227266446-G-C. GRCh37 (hg19) VCF-style: chr2-228131162-G-C.
Other names: short protein forms G449R.
Identifiers: ClinVar variation 2977724 (VCV002977724.5), dbSNP rs760203599, ClinGen allele CA2146624.

ClinVar aggregate classification (germline): Conflicting classifications of pathogenicity. Review status: criteria provided, conflicting classifications (1 of 4 stars). 3 submissions from 3 submitters: Pathogenic (1); Likely pathogenic (1); Uncertain significance (1). Last evaluated 2025-09-17.

Conditions:
Autosomal dominant Alport syndrome (ATS3A). Also called: ALPORT SYNDROME 3A, AUTOSOMAL DOMINANT; Alport syndrome dominant type; Renal failure and sensorineural hearing loss. Identifiers: Orphanet 63, Orphanet 88918, MedGen C5882663, MONDO:0007086, OMIM 104200.
Hematuria, benign familial, 2 (BFH2). Identifiers: MedGen C5830421, MONDO:0958186, OMIM 620320.
Alport syndrome 3b, autosomal recessive. Identifiers: MedGen C5882699, MONDO:0957811, OMIM 620536.
Alport syndrome. Also called: Hemorrhagic familial nephritis; Hemorrhagic hereditary nephritis; Congenital hereditary hematuria. Identifiers: Orphanet 63, MedGen C1567741, MONDO:0018965.

Allele frequency attached by ClinVar (database versions not stated): TOPMed below 0.00001; ExAC 0.00001; gnomAD exomes 0.00001.
gnomAD v4.1: 3 of 1,614,114 alleles (0.00019%); highest among the groups gnomAD compares: Admixed American, 0.005%; no homozygotes.

Submissions (3):

Natera, Inc.
Classification: Pathogenic for Alport syndrome. Last evaluated: 2025-09-17. Review status: criteria provided, single submitter. Criteria: Natera Variant Classification Schema (03/2026). Collection method: clinical testing. Allele origin: germline.
Comment: The c.1345G>C variant in COL4A3 is a missense variant predicted to cause substitution of glycine to arginine at amino acid 449. This variant is rare in the general population with a frequency below the threshold expected for the associated phenotype(s). This variant is located in a functionally critical region of the protein. Another variant at this same site results in an alteration predicted to cause a similar molecular effect has been observed in individual(s) with the associated phenotype. Computational prediction algorithms indicate this variant is likely to affect gene or protein function. Given the available evidence, this variant is classified as Pathogenic.

Fulgent Genetics
Classification: Likely pathogenic for Autosomal dominant Alport syndrome; Hematuria, benign familial, 2; Alport syndrome 3b, autosomal recessive. Last evaluated: 2024-03-01. Review status: criteria provided, single submitter. Criteria: ACMG Guidelines, 2015. Collection method: clinical testing. Allele origin: germline.

Labcorp Genetics (formerly Invitae), Labcorp
Classification: Uncertain significance. Last evaluated: 2023-10-22. Review status: criteria provided, single submitter. Criteria: Invitae Variant Classification Sherloc (09022015). Collection method: clinical testing. Allele origin: germline.
Comment: This sequence change replaces glycine, which is neutral and non-polar, with arginine, which is basic and polar, at codon 449 of the COL4A3 protein (p.Gly449Arg). This variant is present in population databases (rs760203599, gnomAD 0.006%). This missense change has been observed in individuals with autosomal dominant Alport syndrome (PMID: 33838161; Invitae). Advanced modeling of protein sequence and biophysical properties (such as structural, functional, and spatial information, amino acid conservation, physicochemical variation, residue mobility, and thermodynamic stability) performed at Invitae indicates that this missense variant is expected to disrupt COL4A3 protein function with a positive predictive value of 80%. In summary, the available evidence is currently insufficient to determine the role of this variant in disease. Therefore, it has been classified as a Variant of Uncertain Significance.

Literature cited by the submitters: PubMed 33838161 (cited by Labcorp Genetics (formerly Invitae), Labcorp).